The following is an entry in ClinVar:

NM_000093.5(COL5A1):c.964G>A (p.Glu322Lys)

Gene: COL5A1 (collagen type V alpha 1 chain; plus strand). Cytogenetic location: 9q34.3.
Variant type: single nucleotide variant.
Coding change: c.964G>A on transcript NM_000093.5 (MANE Select); coding-DNA position 964, G replaced by A.
Protein change: p.Glu322Lys; replaces glutamic acid 322 with lysine.
Molecular consequence: missense variant.
Genome position (GRCh38, 1-based): chr9:134,730,275, G>A. VCF-style: chr9-134730275-G-A. GRCh37 (hg19) VCF-style: chr9-137622121-G-A.
Other names: c.964G>A, p.Glu322Lys (NM_001278074.1); c.964G>A (NM_000093.3); short protein forms E322K.
Identifiers: ClinVar variation 289729 (VCV000289729.9), dbSNP rs199857770, ClinGen allele CA10606529.
Genomic context (GRCh38, chr9:134,730,275, plus strand): 5'-GTCTCTGTCCTTGGCTCCCAGGAGCTGACCCCGACCCCCACGGAAGCTGCTCCCATGCCT[G>A]AAACCAGTGAAGGGGCTGGGAAGGAAGAGGACGTCGGCATCGGGGACTATGACTACGTGC-3'
Protein context (NP_000084.3, residues 312-332): PTPTEAAPMP[Glu322Lys]TSEGAGKEED

ClinVar aggregate classification (germline): Uncertain significance. Review status: criteria provided, multiple submitters, no conflicts (2 of 4 stars). 3 submissions from 3 submitters: Uncertain significance (3). Last evaluated 2024-06-20.

Conditions:
Ehlers-Danlos syndrome, classic type, 1 (EDSCL1). Also called: Ehlers-Danlos syndrome, type 1; EHLERS-DANLOS SYNDROME, GRAVIS TYPE; EHLERS-DANLOS SYNDROME, SEVERE CLASSIC TYPE; Ehlers-Danlos Syndrome, Classic Type, COL5A1-Related; EDS I. Identifiers: MedGen C0268335, MONDO:0019567, OMIM 130000.

Allele frequency attached by ClinVar (database versions not stated): gnomAD exomes below 0.00001; TOPMed below 0.00001; gnomAD 0.00001.
gnomAD v4.1: 3 of 1,614,044 alleles (0.00019%); highest among the groups gnomAD compares: South Asian, 0.0011%; no homozygotes.

Submissions (3):

GeneDx
Classification: Uncertain significance. Last evaluated: 2024-06-20. Review status: criteria provided, single submitter. Criteria: GeneDx Variant Classification Process June 2021. Collection method: clinical testing. Allele origin: germline. Affected: yes.
Comment: Not observed at significant frequency in large population cohorts (gnomAD); In silico analysis indicates that this missense variant does not alter protein structure/function; Has not been previously published as pathogenic or benign to our knowledge; Not located in the triple helical region, where the majority of pathogenic missense variants occur (PMID: 22696272; HGMD); This variant is associated with the following publications: (PMID: 22696272)

Labcorp Genetics (formerly Invitae), Labcorp
Classification: Uncertain significance for Ehlers-Danlos syndrome, classic type, 1. Last evaluated: 2023-11-15. Review status: criteria provided, single submitter. Criteria: Invitae Variant Classification Sherloc (09022015). Collection method: clinical testing. Allele origin: germline.
Comment: This sequence change replaces glutamic acid, which is acidic and polar, with lysine, which is basic and polar, at codon 322 of the COL5A1 protein (p.Glu322Lys). This variant is not present in population databases (gnomAD no frequency). This variant has not been reported in the literature in individuals affected with COL5A1-related conditions. ClinVar contains an entry for this variant (Variation ID: 289729). Advanced modeling of protein sequence and biophysical properties (such as structural, functional, and spatial information, amino acid conservation, physicochemical variation, residue mobility, and thermodynamic stability) performed at Invitae indicates that this missense variant is not expected to disrupt COL5A1 protein function with a negative predictive value of 95%. In summary, the available evidence is currently insufficient to determine the role of this variant in disease. Therefore, it has been classified as a Variant of Uncertain Significance.

Eurofins Ntd Llc (ga)
Classification: Uncertain significance. Last evaluated: 2016-09-06. Review status: criteria provided, single submitter. Criteria: EGL Classification Definitions 2015. Collection method: clinical testing. Allele origin: germline. Observed: 1 variant allele, 1 heterozygote.